The following is an entry in ClinVar:

NM_005172.2(ATOH1):c.232G>C (p.Ala78Pro)

Gene: ATOH1 (atonal bHLH transcription factor 1; plus strand). Cytogenetic location: 4q22.2.
Variant type: single nucleotide variant.
Coding change: c.232G>C on transcript NM_005172.2 (MANE Select); coding-DNA position 232, G replaced by C.
Protein change: p.Ala78Pro; replaces alanine 78 with proline.
Molecular consequence: missense variant.
Genome position (GRCh38, 1-based): chr4:93,829,158, G>C. VCF-style: chr4-93829158-G-C. GRCh37 (hg19) VCF-style: chr4-94750309-G-C.
Other names: short protein forms A78P.
Identifiers: ClinVar variation 4171191 (VCV004171191.2).

ClinVar aggregate classification (germline): Uncertain significance. Review status: criteria provided, multiple submitters, no conflicts (2 of 4 stars). 2 submissions from 2 submitters: Uncertain significance (2). Last evaluated 2026-06-26.

Conditions:
ATOH1-related disorder. Also called: ATOH1-related condition.

gnomAD v4.1: 264 of 1,595,008 alleles (0.017%); highest among the groups gnomAD compares: Non-Finnish European, 0.022%; no homozygotes.

Submissions (2):

PreventionGenetics, part of Exact Sciences
Classification: Uncertain significance for ATOH1-related condition. Last evaluated: 2026-06-26. Review status: criteria provided, single submitter. Criteria: ACMG Guidelines, 2015. Collection method: clinical testing. Allele origin: germline.
Comment: The ATOH1 c.232G>C variant is predicted to result in the amino acid substitution p.Ala78Pro. To our knowledge, this variant has not been reported in the literature. This variant is reported in 0.0074% of alleles in individuals of European (Non-Finnish) descent in gnomAD. However, in gnomAD v4 (available only on GRCh38), this variant is reported in 264 alleles globally, which is likely too common for a highly penetrant pathogenic variant. Although we suspect that this variant is benign, at this time, the clinical significance of this variant is uncertain due to the absence of conclusive functional and genetic evidence.

Ambry Genetics
Classification: Uncertain significance. Last evaluated: 2025-08-05. Review status: criteria provided, single submitter. Criteria: Ambry Variant Classification Scheme 2023. Collection method: clinical testing. Allele origin: germline.